The following is an entry in ClinVar:

ClinVar aggregate classification (germline): Uncertain significance (1 of 4 stars; one submission).

Submission:

GeneDx
Classification: Uncertain significance. Last evaluated: 2022-03-27. Review status: criteria provided, single submitter. Criteria: GeneDx Variant Classification Process June 2021. Collection method: clinical testing. Allele origin: germline. Affected: yes.
Comment: Not observed at significant frequency in large population cohorts (gnomAD); Nonsense variant predicted to result in protein truncation or nonsense mediated decay in a gene or region of a gene for which loss of function is not a well-established mechanism of disease; Has not been previously published as pathogenic or benign to our knowledge; Variants in candidate genes are classified as variants of uncertain significance in accordance with ACMG guidelines (Richards et al., 2015)

NM_001128.6(AP1G1):c.52C>T (p.Arg18Ter)

Gene: AP1G1 (adaptor related protein complex 1 subunit gamma 1; minus strand). Cytogenetic location: 16q22.2.
Variant type: single nucleotide variant.
Coding change: c.52C>T on transcript NM_001128.6 (MANE Select); coding-DNA position 52, C replaced by T.
Protein change: p.Arg18Ter; replaces arginine 18 with a stop codon.
Molecular consequence: nonsense.
Genome position (GRCh38, 1-based): chr16:71,789,428, G>A on the plus strand (C>T on the coding strand, the complement: AP1G1 is on the minus strand). VCF-style: chr16-71789428-G-A. GRCh37 (hg19) VCF-style: chr16-71823331-G-A.
Other names: c.52C>T, p.Arg18Ter (NM_001030007.2); short protein forms R18*.
Identifiers: ClinVar variation 3342475 (VCV003342475.1).